The following is an entry in ClinVar:

ClinVar aggregate classification (germline): Conflicting classifications of pathogenicity. Review status: criteria provided, conflicting classifications (1 of 4 stars). 5 submissions from 5 submitters: Uncertain significance (1); Benign (1); Likely benign (2). 1 of the submissions does not count toward it. Last evaluated 2026-01-21.

Conditions:
ERCC6L2-related disorder. Also called: ERCC6L2-related condition.
Inborn genetic diseases. Identifiers: MedGen C0950123, MeSH D030342.

Allele frequency attached by ClinVar (database versions not stated): gnomAD exomes 0.00072 and 0.00027; ExAC 0.00086; 1000 Genomes Project 0.00220; 1000 Genomes Project 30x 0.00250; gnomAD 0.00275 and 0.00306; TOPMed 0.00292; ESP Exome Variant Server 0.00338.
gnomAD v4.1: 818 of 1,609,438 alleles (0.051%); highest among the groups gnomAD compares: African/African-American, 1%; 3 homozygotes.

Submissions (5):

Labcorp Genetics (formerly Invitae), Labcorp
Classification: Benign. Last evaluated: 2026-01-21. Review status: criteria provided, single submitter. Criteria: Invitae Variant Classification Sherloc (09022015). Collection method: clinical testing. Allele origin: germline.

Ambry Genetics
Classification: Uncertain significance for Inborn genetic diseases. Last evaluated: 2024-12-04. Review status: criteria provided, single submitter. Criteria: Ambry Variant Classification Scheme 2023. Collection method: clinical testing. Allele origin: germline.

Blueprint Genetics
Classification: Likely benign. Last evaluated: 2024-01-23. Review status: criteria provided, single submitter. Criteria: ACMG Guidelines, 2015. Collection method: clinical testing. Allele origin: germline.

CeGaT Center for Human Genetics Tuebingen
Classification: Likely benign. Last evaluated: 2023-04-01. Review status: criteria provided, single submitter. Criteria: CeGaT Center For Human Genetics Tuebingen Variant Classification Criteria Version 2. Collection method: clinical testing. Allele origin: germline. Affected: yes. Observed: 1 variant allele.
Comment: ERCC6L2: BS2

PreventionGenetics, part of Exact Sciences
Classification: Benign for ERCC6L2-related condition. Last evaluated: 2021-01-11. Review status: no assertion criteria provided. Collection method: clinical testing. Allele origin: germline. Not counted in ClinVar's aggregate classification.
Comment: This variant is classified as benign based on ACMG/AMP sequence variant interpretation guidelines (Richards et al. 2015 PMID: 25741868, with internal and published modifications).

NM_020207.7(ERCC6L2):c.375C>G (p.Asp125Glu)

Gene: ERCC6L2 (ERCC excision repair 6 like 2; plus strand). Cytogenetic location: 9q22.32.
Variant type: single nucleotide variant.
Coding change: c.375C>G on transcript NM_020207.7 (MANE Select); coding-DNA position 375, C replaced by G.
Protein change: p.Asp125Glu; replaces aspartic acid 125 with glutamic acid.
Molecular consequence: missense variant. On other transcripts: non-coding transcript variant (1).
Genome position (GRCh38, 1-based): chr9:95,881,197, C>G. VCF-style: chr9-95881197-C-G. GRCh37 (hg19) VCF-style: chr9-98643479-C-G.
Other names: c.375C>G, p.Asp125Glu (NM_001010895.4, NM_001375291.1, NM_001375292.1 and 2 more transcripts); short protein forms D125E.
Identifiers: ClinVar variation 791302 (VCV000791302.35), dbSNP rs61746533, ClinGen allele CA5139276.